The following is an entry in ClinVar:

NM_003001.5(SDHC):c.61C>T (p.Gln21Ter)

Gene: SDHC (succinate dehydrogenase complex subunit C; plus strand). Cytogenetic location: 1q23.3.
Variant type: single nucleotide variant.
Coding change: c.61C>T on transcript NM_003001.5 (MANE Select); coding-DNA position 61, C replaced by T.
Protein change: p.Gln21Ter; replaces glutamine 21 with a stop codon.
Molecular consequence: nonsense. On other transcripts: 5 prime UTR variant (2), non-coding transcript variant (1), intron variant (4).
Genome position (GRCh38, 1-based): chr1:161,323,654, C>T. VCF-style: chr1-161323654-C-T. GRCh37 (hg19) VCF-style: chr1-161293444-C-T.
Other names: c.61C>T, p.Gln21Ter (NM_001035511.3, NM_001035512.3, NM_001278172.3 and 2 more transcripts); c.-51C>T (NM_001407119.1); c.-169C>T (NM_001407120.1); c.21-4742C>T (NM_001407116.1, NM_001407121.1, NM_001407117.1); c.20+9229C>T (NM_001035513.3); short protein forms Q21*.
Identifiers: ClinVar variation 2950878 (VCV002950878.3), dbSNP rs1553261768, ClinGen allele CA343359555.
Genomic context (GRCh38, chr1:161,323,654, plus strand): 5'-TTGATTCTCTTATCTTGCAGACACGTTGGTCGTCATTGCCTCCGAGCCCACTTTAGCCCT[C>T]AGCTCTGTATCAGAAAGTAAGTTTCTAAGTCTGGAGATTATTTATTTATTTTTTTTTTTG-3'

ClinVar aggregate classification (germline): Pathogenic (1 of 4 stars; one submission).

Conditions:
Gastrointestinal stromal tumor. Also called: Gastrointestinal stromal tumor, somatic; Gastrointestinal stroma tumor. Identifiers: Orphanet 44890, MedGen C0238198, MeSH D046152, MONDO:0011719, OMIM 606764, HP:0100723.
Pheochromocytoma/paraganglioma syndrome 3. Also called: GLOMUS TUMORS, FAMILIAL, 3; Paragangliomas 3; SDHC-Related Hereditary Paraganglioma-Pheochromocytoma Syndrome (Paragangliomas 3); SDHC-Related Hereditary Paraganglioma-Pheochromocytoma Syndrome. Identifiers: Orphanet 29072, MedGen C1854336, MONDO:0011544, OMIM 605373.

Allele frequency attached by ClinVar (database versions not stated): gnomAD 0.00001.

Submission:

Labcorp Genetics (formerly Invitae), Labcorp
Classification: Pathogenic for Pheochromocytoma/paraganglioma syndrome 3; Gastrointestinal stromal tumor. Last evaluated: 2023-08-10. Review status: criteria provided, single submitter. Criteria: Invitae Variant Classification Sherloc (09022015). Collection method: clinical testing. Allele origin: germline.
Comment: For these reasons, this variant has been classified as Pathogenic. Algorithms developed to predict the effect of sequence changes on RNA splicing suggest that this variant may disrupt the consensus splice site. This variant has not been reported in the literature in individuals affected with SDHC-related conditions. This variant is not present in population databases (gnomAD no frequency). This sequence change creates a premature translational stop signal (p.Gln21*) in the SDHC gene. It is expected to result in an absent or disrupted protein product. Loss-of-function variants in SDHC are known to be pathogenic (PMID: 17667967, 19454582, 23282968, 24758179).

Literature cited by the submitters: PubMed 17667967; PubMed 19454582; PubMed 23282968; PubMed 24758179.